The following is an entry in ClinVar:

ClinVar aggregate classification (germline): Likely benign (1 of 4 stars; one submission).

gnomAD v4.1: 142 of 1,589,070 alleles (0.0089%); highest among the groups gnomAD compares: Non-Finnish European, 0.011%; no homozygotes.

Submission:

CeGaT Center for Human Genetics Tuebingen
Classification: Likely benign. Last evaluated: 2026-04-01. Review status: criteria provided, single submitter. Criteria: CeGaT Center For Human Genetics Tuebingen Variant Classification Criteria Version 2. Collection method: clinical testing. Allele origin: germline. Affected: yes. Observed: 1 variant allele.
Comment: MUC3A: BP4, BP7

NM_005960.2(MUC3A):c.7507T>C (p.Leu2503=)

Gene: MUC3A (mucin 3A, cell surface associated; plus strand). Cytogenetic location: 7q22.1.
Variant type: single nucleotide variant.
Coding change: c.7507T>C on transcript NM_005960.2 (MANE Select); coding-DNA position 7507, T replaced by C.
Protein change: p.Leu2503=; no amino-acid change (leucine 2503 retained).
Molecular consequence: synonymous variant.
Genome position (GRCh38, 1-based): chr7:100,959,286, T>C. VCF-style: chr7-100959286-T-C. GRCh37 (hg19) VCF-style: chr7-100551415-T-C.
Identifiers: ClinVar variation 4872865 (VCV004872865.2).